The following is an entry in ClinVar:

ClinVar aggregate classification (germline): Uncertain significance. Review status: criteria provided, multiple submitters, no conflicts (2 of 4 stars). 2 submissions from 2 submitters: Uncertain significance (2). Last evaluated 2025-02-10.

Conditions:
Dilated cardiomyopathy 1HH (CMD1HH). Identifiers: Orphanet 154, MedGen C3151293, MONDO:0013479, OMIM 613881.
Myofibrillar myopathy 6. Identifiers: Orphanet 199340, MedGen C2751831, MONDO:0013061, OMIM 612954.

gnomAD v4.1: 8 of 1,614,166 alleles (0.0005%); highest among the groups gnomAD compares: Non-Finnish European, 0.00068%; no homozygotes.

Submissions (2):

Labcorp Genetics (formerly Invitae), Labcorp
Classification: Uncertain significance for Dilated cardiomyopathy 1HH; Myofibrillar myopathy 6. Last evaluated: 2025-02-10. Review status: criteria provided, single submitter. Criteria: Invitae Variant Classification Sherloc (09022015). Collection method: clinical testing. Allele origin: germline.
Comment: This sequence change replaces histidine, which is basic and polar, with leucine, which is neutral and non-polar, at codon 232 of the BAG3 protein (p.His232Leu). This variant is present in population databases (no rsID available, gnomAD 0.0009%). This missense change has been observed in individual(s) with dilated cardiomyopathy (PMID: 37652022). ClinVar contains an entry for this variant (Variation ID: 228458). Invitae Evidence Modeling of protein sequence and biophysical properties (such as structural, functional, and spatial information, amino acid conservation, physicochemical variation, residue mobility, and thermodynamic stability) has been performed for this missense variant. However, the output from this modeling did not meet the statistical confidence thresholds required to predict the impact of this variant on BAG3 protein function. In summary, the available evidence is currently insufficient to determine the role of this variant in disease. Therefore, it has been classified as a Variant of Uncertain Significance.

Laboratory for Molecular Medicine, Mass General Brigham Personalized Medicine
Classification: Uncertain significance. Last evaluated: 2015-10-26. Review status: criteria provided, single submitter. Criteria: LMM Criteria. Collection method: clinical testing. Allele origin: germline. Observed: 1 variant allele.
Comment: The p.His232Leu variant in BAG3 has not been previously reported in individuals with cardiomyopathy or in large population studies. Computational prediction too ls and conservation analysis do not provide strong support for or against an imp act to the protein. In summary, the clinical significance of the p.His232Leu var iant is uncertain.

Literature cited by the submitters: PubMed 37652022 (cited by Labcorp Genetics (formerly Invitae), Labcorp).

NM_004281.4(BAG3):c.695A>T (p.His232Leu)

Gene: BAG3 (BAG cochaperone 3; plus strand). Cytogenetic location: 10q26.11.
Variant type: single nucleotide variant.
Coding change: c.695A>T on transcript NM_004281.4 (MANE Select); coding-DNA position 695, A replaced by T.
Protein change: p.His232Leu; replaces histidine 232 with leucine.
Molecular consequence: missense variant.
Genome position (GRCh38, 1-based): chr10:119,672,442, A>T. VCF-style: chr10-119672442-A-T. GRCh37 (hg19) VCF-style: chr10-121431954-A-T.
Other names: short protein forms H232L.
Identifiers: ClinVar variation 228458 (VCV000228458.5), dbSNP rs746241240, ClinGen allele CA10576777.